The following is an entry in ClinVar:

NM_001004462.2(OR10G4):c.72C>A (p.Leu24=)

Gene: OR10G4 (olfactory receptor family 10 subfamily G member 4; plus strand). Cytogenetic location: 11q24.2.
Variant type: single nucleotide variant.
Coding change: c.72C>A on transcript NM_001004462.2 (MANE Select); coding-DNA position 72, C replaced by A.
Protein change: p.Leu24=; no amino-acid change (leucine 24 retained).
Molecular consequence: synonymous variant.
Genome position (GRCh38, 1-based): chr11:124,015,646, C>A. VCF-style: chr11-124015646-C-A. GRCh37 (hg19) VCF-style: chr11-123886353-C-A.
Identifiers: ClinVar variation 4821699 (VCV004821699.4).

ClinVar aggregate classification (germline): Likely benign (1 of 4 stars; one submission).

Submission:

CeGaT Center for Human Genetics Tuebingen
Classification: Likely benign. Last evaluated: 2026-01-01. Review status: criteria provided, single submitter. Criteria: CeGaT Center For Human Genetics Tuebingen Variant Classification Criteria Version 2. Collection method: clinical testing. Allele origin: germline. Affected: yes. Observed: 1 variant allele.
Comment: OR10G4: BP4, BP7